The following is an entry in ClinVar:

ClinVar aggregate classification (germline): Uncertain significance. Review status: criteria provided, multiple submitters, no conflicts (2 of 4 stars). 2 submissions from 2 submitters: Uncertain significance (2). Last evaluated 2021-10-20.

Conditions:
Myopathy, myofibrillar, 9, with early respiratory failure (MFM9). Also called: EDSTROM MYOPATHY; MYOPATHY, PROXIMAL, WITH EARLY RESPIRATORY MUSCLE INVOLVEMENT; Myopathy, distal, with early respiratory failure, autosomal dominant; Hereditary myopathy with early respiratory failure. Identifiers: Orphanet 178464, Orphanet 34521, MedGen C1863599, MONDO:0011362, OMIM 603689.
Early-onset myopathy with fatal cardiomyopathy (CMYO5). Also called: CONGENITAL MYOPATHY 5 WITH CARDIOMYOPATHY; Salih Myopathy. Identifiers: Orphanet 289377, MedGen C2673677, MONDO:0012714, OMIM 611705. Disease mechanism: loss of function.
Hypertrophic cardiomyopathy 9. Also called: Familial hypertrophic cardiomyopathy 9. Identifiers: MedGen C1861065, MONDO:0013412, OMIM 613765.
Dilated cardiomyopathy 1G (CMD1G). Identifiers: Orphanet 154, MedGen C1858763, MONDO:0011400, OMIM 604145.
Tibial muscular dystrophy (TMD). Also called: UDD MYOPATHY; Tibial muscular dystrophy, tardive; Udd Distal Myopathy – Tibial Muscular Dystrophy. Identifiers: Orphanet 609, MedGen C1838244, MONDO:0010870, OMIM 600334.
Autosomal recessive limb-girdle muscular dystrophy type 2J (LGMDR10). Also called: MUSCULAR DYSTROPHY, LIMB-GIRDLE, AUTOSOMAL RECESSIVE 10; Limb-girdle muscular dystrophy, type 2J. Identifiers: Orphanet 140922, MedGen C1837342, MONDO:0012127, OMIM 608807.

Allele frequency attached by ClinVar (database versions not stated): gnomAD exomes below 0.00001.
gnomAD v4.1: 2 of 1,612,080 alleles (0.00012%); highest among the groups gnomAD compares: Non-Finnish European, 0.00017%; no homozygotes.

Submissions (2):

Fulgent Genetics
Classification: Uncertain significance for Tibial muscular dystrophy; Myopathy, myofibrillar, 9, with early respiratory failure; Dilated cardiomyopathy 1G; Autosomal recessive limb-girdle muscular dystrophy type 2J; Early-onset myopathy with fatal cardiomyopathy; Hypertrophic cardiomyopathy 9. Last evaluated: 2021-10-20. Review status: criteria provided, single submitter. Criteria: ACMG Guidelines, 2015. Collection method: clinical testing. Allele origin: unknown.

GeneDx
Classification: Uncertain significance. Last evaluated: 2014-02-24. Review status: criteria provided, single submitter. Criteria: GeneDx Variant Classification (06012015). Collection method: clinical testing. Allele origin: germline. Affected: yes.
Comment: Missense variants in the TTN gene are considered 'unclassified' if they are not previously reported in the literature and do not have >1% frequency in the population to be considered a polymorphism. Research indicates that truncating mutations in the TTN gene are expected to account for approximately 25% of familial and 18% of sporadic idiopathic DCM; however, truncating variants in the TTN gene have been reported in approximately 3% of reported control alleles. There has been little investigation into non-truncating variants. (Herman D et al. Truncations of titin causing dilated cardiomyopathy. N Eng J Med 366:619-628, 2012) The variant is found in DCM-CRDM panel(s).

NM_001267550.2(TTN):c.54320C>G (p.Ala18107Gly)

Genes: TTN (titin; minus strand), TTN-AS1 (TTN antisense RNA 1; plus strand). Cytogenetic location: 2q31.2.
Variant type: single nucleotide variant.
Coding change: c.54320C>G on transcript NM_001267550.2 (MANE Select); coding-DNA position 54320, C replaced by G.
Protein change: p.Ala18107Gly; replaces alanine 18107 with glycine.
Molecular consequence: missense variant. On other transcripts: non-coding transcript variant (1).
Genome position (GRCh38, 1-based): chr2:178,604,769, G>C on the plus strand (C>G on the coding strand, the complement: TTN is on the minus strand). VCF-style: chr2-178604769-G-C. GRCh37 (hg19) VCF-style: chr2-179469496-G-C.
Other names: p.A16466G:GCA>GGA; c.49397C>G, p.Ala16466Gly (NM_001256850.1); c.27125C>G, p.Ala9042Gly (NM_003319.4); c.46616C>G, p.Ala15539Gly (NM_133378.4); c.27500C>G, p.Ala9167Gly (NM_133432.3); c.27701C>G, p.Ala9234Gly (NM_133437.4); short protein forms A16466G, A18107G, A9167G, A9042G, A9234G, A15539G.
Identifiers: ClinVar variation 202712 (VCV000202712.3), dbSNP rs794729457, ClinGen allele CA310058.
Genomic context (GRCh38, chr2:178,604,769, plus strand): 5'-CCATATCTTTTCTCTACAGCAGTGTTGGTGACTTCCTCCCATTCTGCTTTCTTCCTACTT[G>C]CATCACGTTTGTCAATAACATAATGGGTGATTTCACTGCCACCATTATCAAGAGGGGCAT-3'
Protein context (NP_001254479.2, residues 18097-18117): ITHYVIDKRD[Ala18107Gly]SRKKAEWEEV